The following is an entry in ClinVar:

ClinVar aggregate classification (germline): Uncertain significance. Review status: criteria provided, multiple submitters, no conflicts (2 of 4 stars). 2 submissions from 2 submitters: Uncertain significance (2). Last evaluated 2022-01-07.

Conditions:
Mitochondrial hypertrophic cardiomyopathy with lactic acidosis due to MTO1 deficiency. Also called: CARDIOMYOPATHY, INFANTILE HYPERTROPHIC MITOCHONDRIAL, AND LACTIC ACIDOSIS; Combined oxidative phosphorylation deficiency 10. Identifiers: Orphanet 314637, MedGen C4749921, MONDO:0013865, OMIM 614702.

Allele frequency attached by ClinVar (database versions not stated): gnomAD exomes below 0.00001 and 0.00001; TOPMed below 0.00001.
gnomAD v4.1: 3 of 1,614,210 alleles (0.00019%); highest among the groups gnomAD compares: Non-Finnish European, 0.00017%; no homozygotes.

Submissions (2):

Fulgent Genetics
Classification: Uncertain significance for Mitochondrial hypertrophic cardiomyopathy with lactic acidosis due to MTO1 deficiency. Last evaluated: 2022-01-07. Review status: criteria provided, single submitter. Criteria: ACMG Guidelines, 2015. Collection method: clinical testing. Allele origin: unknown.

Labcorp Genetics (formerly Invitae), Labcorp
Classification: Uncertain significance for Mitochondrial hypertrophic cardiomyopathy with lactic acidosis due to MTO1 deficiency. Last evaluated: 2021-09-18. Review status: criteria provided, single submitter. Criteria: Invitae Variant Classification Sherloc (09022015). Collection method: clinical testing. Allele origin: germline.
Comment: This sequence change replaces valine with alanine at codon 202 of the MTO1 protein (p.Val202Ala). The valine residue is weakly conserved and there is a small physicochemical difference between valine and alanine. This variant is not present in population databases (ExAC no frequency). This variant has not been reported in the literature in individuals affected with MTO1-related conditions. Algorithms developed to predict the effect of missense changes on protein structure and function (SIFT, PolyPhen-2, Align-GVGD) all suggest that this variant is likely to be tolerated. In summary, the available evidence is currently insufficient to determine the role of this variant in disease. Therefore, it has been classified as a Variant of Uncertain Significance.

NM_012123.4(MTO1):c.605T>C (p.Val202Ala)

Gene: MTO1 (mitochondrial tRNA translation optimization 1; plus strand). Cytogenetic location: 6q13.
Variant type: single nucleotide variant.
Coding change: c.605T>C on transcript NM_012123.4 (MANE Select); coding-DNA position 605, T replaced by C.
Protein change: p.Val202Ala; replaces valine 202 with alanine.
Molecular consequence: missense variant.
Genome position (GRCh38, 1-based): chr6:73,473,434, T>C. VCF-style: chr6-73473434-T-C. GRCh37 (hg19) VCF-style: chr6-74183157-T-C.
Other names: c.605T>C, p.Val202Ala (NM_001123226.2, NM_133645.3); short protein forms V202A.
Identifiers: ClinVar variation 1441444 (VCV001441444.4), dbSNP rs1206431304, ClinGen allele CA364713471.